The following is an entry in ClinVar:

ClinVar aggregate classification (germline): Uncertain significance (1 of 4 stars; one submission).

Allele frequency attached by ClinVar (database versions not stated): TOPMed 0.00001; gnomAD exomes 0.00006.
gnomAD v4.1: 81 of 1,544,132 alleles (0.0052%); highest among the groups gnomAD compares: Non-Finnish European, 0.007%; no homozygotes.

Submission:

Labcorp Genetics (formerly Invitae), Labcorp
Classification: Uncertain significance. Last evaluated: 2023-12-25. Review status: criteria provided, single submitter. Criteria: Invitae Variant Classification Sherloc (09022015). Collection method: clinical testing. Allele origin: germline.
Comment: This sequence change replaces lysine, which is basic and polar, with arginine, which is basic and polar, at codon 123 of the DTHD1 protein (p.Lys123Arg). This variant is present in population databases (no rsID available, gnomAD 0.004%). This variant has not been reported in the literature in individuals affected with DTHD1-related conditions. ClinVar contains an entry for this variant (Variation ID: 2138156). An algorithm developed to predict the effect of missense changes on protein structure and function (PolyPhen-2) suggests that this variant is likely to be disruptive. In summary, the available evidence is currently insufficient to determine the role of this variant in disease. Therefore, it has been classified as a Variant of Uncertain Significance.

NM_001170700.3(DTHD1):c.1238A>G (p.Lys413Arg)

Gene: DTHD1 (death domain containing 1; plus strand). Cytogenetic location: 4p14.
Variant type: single nucleotide variant.
Coding change: c.1238A>G on transcript NM_001170700.3 (MANE Select); coding-DNA position 1238, A replaced by G.
Protein change: p.Lys413Arg; replaces lysine 413 with arginine.
Molecular consequence: missense variant. On other transcripts: non-coding transcript variant (1), intron variant (1).
Genome position (GRCh38, 1-based): chr4:36,293,545, A>G. VCF-style: chr4-36293545-A-G. GRCh37 (hg19) VCF-style: chr4-36295167-A-G.
Other names: c.368A>G, p.Lys123Arg (NM_001136536.5); c.349-44A>G (NM_001378435.1); short protein forms K413R, K123R.
Identifiers: ClinVar variation 2138156 (VCV002138156.4), dbSNP rs1045636239, ClinGen allele CA95770546.